The following is an entry in ClinVar:

ClinVar aggregate classification (germline): Uncertain significance. Review status: criteria provided, single submitter (1 of 4 stars). 2 submissions from 2 submitters: Uncertain significance (1). 1 of the submissions does not count toward it. Last evaluated 2023-12-19.

Conditions:
Cardiovascular phenotype. Identifiers: MedGen CN230736.
Alstrom syndrome (ALMS). Identifiers: Orphanet 64, MedGen C0268425, MONDO:0008763, OMIM 203800.

Allele frequency attached by ClinVar (database versions not stated): ExAC 0.00001; gnomAD 0.00001; gnomAD exomes 0.00001; TOPMed 0.00001; ESP Exome Variant Server 0.00008.
gnomAD v4.1: 14 of 1,614,024 alleles (0.00087%); highest among the groups gnomAD compares: Non-Finnish European, 0.0012%; no homozygotes.

Submissions (2):

Ambry Genetics
Classification: Uncertain significance for Cardiovascular phenotype. Last evaluated: 2023-12-19. Review status: criteria provided, single submitter. Criteria: Ambry Variant Classification Scheme 2023. Collection method: clinical testing. Allele origin: germline.
Comment: The p.E2392V variant (also known as c.7175A>T), located in coding exon 8 of the ALMS1 gene, results from an A to T substitution at nucleotide position 7175. The glutamic acid at codon 2392 is replaced by valine, an amino acid with dissimilar properties. This amino acid position is well conserved in available vertebrate species. In addition, the in silico prediction for this alteration is inconclusive. Since supporting evidence is limited at this time, the clinical significance of this alteration remains unclear.

Counsyl
Classification: Uncertain significance for Alstrom syndrome. Last evaluated: 2017-11-27. Review status: no assertion criteria provided. Collection method: clinical testing. Allele origin: unknown. Not counted in ClinVar's aggregate classification.

NM_001378454.1(ALMS1):c.7172A>T (p.Glu2391Val)

Gene: ALMS1 (ALMS1 centrosome and basal body associated protein; plus strand). Cytogenetic location: 2p13.1.
Variant type: single nucleotide variant.
Coding change: c.7172A>T on transcript NM_001378454.1 (MANE Select); coding-DNA position 7172, A replaced by T.
Protein change: p.Glu2391Val; replaces glutamic acid 2391 with valine.
Molecular consequence: missense variant.
Genome position (GRCh38, 1-based): chr2:73,453,699, A>T. VCF-style: chr2-73453699-A-T. GRCh37 (hg19) VCF-style: chr2-73680826-A-T.
Other names: c.7175A>T, p.Glu2392Val (NM_015120.4); short protein forms E2392V, E2391V.
Identifiers: ClinVar variation 555258 (VCV000555258.3), dbSNP rs368310126, ClinGen allele CA1714191.